The following is an entry in ClinVar:

ClinVar aggregate classification (germline): Pathogenic. Review status: criteria provided, multiple submitters, no conflicts (2 of 4 stars). 5 submissions from 5 submitters: Pathogenic (3). 2 of the submissions do not count toward it. Last evaluated 2024-11-18.

Conditions:
Trichorhinophalangeal dysplasia type I (TRPS1). Also called: TRPS I; TRICHORHINOPHALANGEAL SYNDROME, TYPE I. Identifiers: Orphanet 77258, MedGen C0432233, MONDO:0008596, OMIM 190350.
Trichorhinophalangeal syndrome, type III (TRPS3). Also called: SUGIO-KAJII SYNDROME. Identifiers: Orphanet 77258, MedGen C1860823, OMIM 190351, MONDO:0008597.

Submissions (5):

Labcorp Genetics (formerly Invitae), Labcorp
Classification: Pathogenic for Trichorhinophalangeal syndrome, type III; Trichorhinophalangeal dysplasia type I. Last evaluated: 2024-11-18. Review status: criteria provided, single submitter. Criteria: Invitae Variant Classification Sherloc (09022015). Collection method: clinical testing. Allele origin: germline.
Comment: This sequence change replaces arginine, which is basic and polar, with glutamine, which is neutral and polar, at codon 921 of the TRPS1 protein (p.Arg921Gln). This variant is not present in population databases (gnomAD no frequency). This missense change has been observed in individual(s) with trichorhinophalangeal syndrome (PMID: 11112658, 11807863, 27826100; internal data). In at least one individual the variant was observed to be de novo. This variant is also known as p.Arg908Gln. ClinVar contains an entry for this variant (Variation ID: 5577). Invitae Evidence Modeling of protein sequence and biophysical properties (such as structural, functional, and spatial information, amino acid conservation, physicochemical variation, residue mobility, and thermodynamic stability) has been performed for this missense variant. However, the output from this modeling did not meet the statistical confidence thresholds required to predict the impact of this variant on TRPS1 protein function. For these reasons, this variant has been classified as Pathogenic.

GeneDx
Classification: Pathogenic. Last evaluated: 2024-02-12. Review status: criteria provided, single submitter. Criteria: GeneDx Variant Classification Process June 2021. Collection method: clinical testing. Allele origin: germline.
Comment: Not observed at significant frequency in large population cohorts (gnomAD); In silico analysis supports that this missense variant does not alter protein structure/function; This variant is associated with the following publications: (PMID: 29436063, 32442662, 35863130, 27826100, 25792522, 33073934, 35450306, 29499646, 36866988, 11807863, 11112658)

Revvity Omics, Revvity
Classification: Pathogenic. Last evaluated: 2021-04-23. Review status: criteria provided, single submitter. Criteria: ACMG Guidelines, 2015. Collection method: clinical testing. Allele origin: germline.

OMIM
Classification: Pathogenic for TRICHORHINOPHALANGEAL SYNDROME, TYPE III. Last evaluated: 2002-01-01. Review status: no assertion criteria provided. Collection method: literature only. Allele origin: germline. Not counted in ClinVar's aggregate classification.

GeneReviews
No classification provided. Condition: Trichorhinophalangeal dysplasia type I. Review status: no classification provided. Collection method: literature only. Allele origin: germline. Not counted in ClinVar's aggregate classification.

Literature cited by the submitters: PubMed 11112658 (cited by Labcorp Genetics (formerly Invitae), Labcorp); PubMed 11807863 (cited by Labcorp Genetics (formerly Invitae), Labcorp and OMIM); PubMed 27826100 (cited by Labcorp Genetics (formerly Invitae), Labcorp); PubMed 25792522 (cited by GeneReviews); NCBI Bookshelf NBK425926 (cited by GeneReviews).

NM_014112.5(TRPS1):c.2762G>A (p.Arg921Gln)

Gene: TRPS1 (transcriptional repressor GATA binding 1; minus strand). Cytogenetic location: 8q23.3.
Variant type: single nucleotide variant.
Coding change: c.2762G>A on transcript NM_014112.5 (MANE Select); coding-DNA position 2762, G replaced by A.
Protein change: p.Arg921Gln; replaces arginine 921 with glutamine.
Molecular consequence: missense variant.
Genome position (GRCh38, 1-based): chr8:115,418,391, C>T on the plus strand (G>A on the coding strand, the complement: TRPS1 is on the minus strand). VCF-style: chr8-115418391-C-T. GRCh37 (hg19) VCF-style: chr8-116430619-C-T.
Other names: c.2735G>A, p.Arg912Gln (NM_001282902.3); c.2741G>A, p.Arg914Gln (NM_001282903.3); c.2723G>A, p.Arg908Gln (NM_001330599.2); c.2762G>A (NM_014112.2); short protein forms R921Q, R914Q, R912Q.
Identifiers: ClinVar variation 5577 (VCV000005577.20), dbSNP rs121908435, ClinGen allele CA117614.